The following is an entry in ClinVar:

ClinVar aggregate classification (germline): Uncertain significance. Review status: reviewed by expert panel (3 of 4 stars). 9 submissions from 9 submitters: Uncertain significance (1). 8 of the submissions do not count toward it. Last evaluated 2026-01-23.

Conditions:
Autosomal recessive limb-girdle muscular dystrophy. Identifiers: Orphanet 102015, MedGen C2931907, MONDO:0015152.
Neuromuscular disease caused by qualitative or quantitative defects of dysferlin. Also called: Dysferlinopathy; Qualitative or quantitative defects of dysferlin. Identifiers: Orphanet 207073, MedGen C2931687, MONDO:0016145.
Autosomal recessive limb-girdle muscular dystrophy type 2B (LGMDR2). Also called: MUSCULAR DYSTROPHY, LIMB-GIRDLE, TYPE 3; Limb-girdle muscular dystrophy, type 2B; MUSCULAR DYSTROPHY, LIMB-GIRDLE, AUTOSOMAL RECESSIVE 2; Limb-Girdle Muscular Dystrophy Type 2B (LGMD2B). Identifiers: Orphanet 268, MedGen C1850889, MONDO:0009676, OMIM 253601.

Allele frequency attached by ClinVar (database versions not stated): ExAC 0.00002; TOPMed 0.00004; gnomAD 0.00002 and 0.00003; gnomAD exomes 0.00002; ESP Exome Variant Server 0.00008.

Submissions (9):

ClinGen Limb Girdle Muscular Dystrophy Variant Curation Expert Panel, ClinGen
Classification: Uncertain significance for Autosomal recessive limb-girdle muscular dystrophy. Last evaluated: 2026-01-23. Review status: reviewed by expert panel. Criteria: ClinGen LGMD VCEP ACMG Specifications DYSF V2.0.0. Collection method: curation. Allele origin: germline. Inheritance: Autosomal recessive inheritance.
Comment: The NM_003494.4: c.3116G>A variant in DYSF, which is also known as NM_001130987.2: c.3170G>A p.(Arg1057Gln), is a missense variant predicted to cause substitution of arginine to glutamine at amino acid 1039, p.(Arg1039Gln). This variant has not been reported in individuals with suspected LGMD (PM3 not met). The filtering allele frequency of this variant is 0.00002959 in gnomAD v4.1.0 (upper threshold of the 95% CI of 25/1179976 European (non-Finnish) chromosomes), which is less than the ClinGen LGMD VCEP threshold (<0.0001) (PM2_Supporting). The computational predictor REVEL gives a score of 0.88, which is above the LGMD VCEP threshold of ≥0.70, evidence that correlates with impact to DYSF function (PP3). In addition, two other missense variants at the same codon, c.3115C>T p.(Arg1039Trp) and c.3116G>T p.(Arg1039Leu), are classified as at least likely pathogenic for autosomal recessive limb girdle muscular dystrophy by the LGMD VCEP (PM5). In summary, this variant meets the criteria to be classified as a variant of uncertain significance for autosomal recessive limb-girdle muscular dystrophy based on the ACMG/AMP criteria applied, as specified by the ClinGen LGMD VCEP (specifications version 2.0.0; 01/23/2026): PM2_Supporting, PP3, PM5.

OLLIN Analises Genomicas, OLLIN
Classification: Uncertain significance for Autosomal recessive limb-girdle muscular dystrophy type 2B. Last evaluated: 2026-08-06. Review status: criteria provided, single submitter. Criteria: ACMG Guidelines 2015 PMID 25741868. Collection method: clinical testing. Allele origin: germline. Inheritance: Autosomal recessive inheritance. Not counted in ClinVar's aggregate classification.
Comment: This missense variant, located in exon 29 (of 56), has been reported in ClinVar (accession VCV002441144.7) and in gnomAD with an allele frequency of 0.00204%. However, to our knowledge, it has not been reported in the scientific literature. In silico analysis predicts that this variant has a deleterious effect. According to the currently available evidence, this variant has been classified as uncertain significance (PM2_P, PP3).

Myriad Genetics, Inc.
Classification: Uncertain significance for Autosomal recessive limb-girdle muscular dystrophy. Last evaluated: 2026-05-19. Review status: criteria provided, single submitter. Criteria: Myriad Autosomal Dominant, Autosomal Recessive and X-Linked Classification Criteria (2023). Collection method: clinical testing. Allele origin: unknown. Not counted in ClinVar's aggregate classification.
Comment: NM_003494.3(DYSF):c.3116G>A(R1039Q) is a missense variant classified as a variant of uncertain significance in the context of dysferlinopathy. R1039Q has not been observed in cases with relevant disease. Relevant functional assessments of this variant are not available in the literature. R1039Q has been observed in referenced population frequency databases. In summary, there is insufficient evidence to classify NM_003494.3(DYSF):c.3116G>A(R1039Q) as pathogenic or benign. Please note: this variant was assessed in the context of healthy population screening.

Mendelics
Classification: Pathogenic for Autosomal recessive limb-girdle muscular dystrophy type 2B. Last evaluated: 2026-03-05. Review status: criteria provided, single submitter. Criteria: ACMG Guidelines, 2015. Collection method: clinical testing. Allele origin: unknown. Not counted in ClinVar's aggregate classification.
Comment: Likely pathogenic/Pathogenic according to ACMG criteria.

Natera, Inc.
Classification: Likely pathogenic for Limb-girdle muscular dystrophy type 2B. Last evaluated: 2026-01-28. Review status: criteria provided, single submitter. Criteria: Natera Variant Classification Schema (03/2026). Collection method: clinical testing. Allele origin: germline. Not counted in ClinVar's aggregate classification.
Comment: The c.3116G>A variant in DYSF is a missense variant predicted to cause substitution of arginine to glutamine at amino acid 1039. This variant is rare in the general population with a frequency below the threshold expected for the associated phenotype(s). This variant has been observed in one or more individuals affected with the associated recessive disease, as either homozygous or compound heterozygous with a second variant (PMID: 27821570). A different variant at the same position has been determined to be Pathogenic or Likely Pathogenic. Computational prediction algorithms indicate this variant is likely to affect gene or protein function. Given the available evidence, this variant is classified as Likely Pathogenic.

Labcorp Genetics (formerly Invitae), Labcorp
Classification: Likely pathogenic for Neuromuscular disease caused by qualitative or quantitative defects of dysferlin. Last evaluated: 2026-01-09. Review status: criteria provided, single submitter. Criteria: Invitae Variant Classification Sherloc (09022015). Collection method: clinical testing. Allele origin: germline. Not counted in ClinVar's aggregate classification.
Comment: This sequence change replaces arginine, which is basic and polar, with glutamine, which is neutral and polar, at codon 1039 of the DYSF protein (p.Arg1039Gln). This variant is present in population databases (rs149617331, gnomAD 0.006%). This variant has not been reported in the literature in individuals affected with DYSF-related conditions. ClinVar contains an entry for this variant (Variation ID: 1491619). Invitae Evidence Modeling of protein sequence and biophysical properties (such as structural, functional, and spatial information, amino acid conservation, physicochemical variation, residue mobility, and thermodynamic stability) indicates that this missense variant is expected to disrupt DYSF protein function with a positive predictive value of 95%. This variant disrupts the p.Arg1039 amino acid residue in DYSF. Other variant(s) that disrupt this residue have been observed in individuals with DYSF-related conditions (PMID: 17070050, 25591676, 31268554), which suggests that this may be a clinically significant amino acid residue. In summary, the currently available evidence indicates that the variant is pathogenic, but additional data are needed to prove that conclusively. Therefore, this variant has been classified as Likely Pathogenic.

Women's Health and Genetics/Laboratory Corporation of America, LabCorp
Classification: Uncertain significance. Last evaluated: 2025-06-03. Review status: criteria provided, single submitter. Criteria: LabCorp Variant Classification Summary - May 2015. Collection method: clinical testing. Allele origin: germline. Not counted in ClinVar's aggregate classification.
Comment: Variant summary: DYSF c.3116G>A (p.Arg1039Gln) results in a conservative amino acid change located in the Peroxin/Ferlin domain (IPR006614) of the encoded protein sequence. Algorithms developed to predict the effect of missense changes on protein structure and function are either unavailable or do not agree on the potential impact of this missense change. The variant allele was found at a frequency of 2.4e-05 in 250604 control chromosomes. The available data on variant occurrences in the general population are insufficient to allow any conclusion about variant significance. To our knowledge, no occurrence of c.3116G>A in individuals affected with Limb-Girdle Muscular Dystrophy, Autosomal Recessive and no experimental evidence demonstrating its impact on protein function have been reported. ClinVar contains an entry for this variant (Variation ID: 1491619). Based on the evidence outlined above, the variant was classified as uncertain significance.

Dasa
Classification: Uncertain significance. Last evaluated: 2025-01-19. Review status: criteria provided, single submitter. Criteria: DASA Assertion Criteria. Collection method: clinical testing. Allele origin: germline. Not counted in ClinVar's aggregate classification.
Comment: NM_001130987.2(DYSF):c.3170G>A (p.Arg1057Gln) is a missense variant that results in the substitution of arginine with glutamine. This variant is rare in population databases. Computational prediction algorithms are consistent with a deleterious effect. The currently available literature and clinical evidence are not sufficient to establish a definitive association between this variant and the reported condition. Therefore, this variant is classified as a variant of uncertain significance.

Blueprint Genetics
Classification: Uncertain significance. Last evaluated: 2024-10-28. Review status: criteria provided, single submitter. Criteria: ACMG Guidelines, 2015. Collection method: clinical testing. Allele origin: germline. Not counted in ClinVar's aggregate classification.

Literature cited by the submitters: PubMed 27821570 (cited by Natera, Inc.); PubMed 17070050 (cited by Labcorp Genetics (formerly Invitae), Labcorp); PubMed 25591676 (cited by Labcorp Genetics (formerly Invitae), Labcorp); PubMed 31268554 (cited by Labcorp Genetics (formerly Invitae), Labcorp).

NM_001130987.2(DYSF):c.3170G>A (p.Arg1057Gln)

Gene: DYSF (dysferlin; plus strand). Cytogenetic location: 2p13.2.
Variant type: single nucleotide variant.
Coding change: c.3170G>A on transcript NM_001130987.2 (MANE Select); coding-DNA position 3170, G replaced by A.
Protein change: p.Arg1057Gln; replaces arginine 1057 with glutamine.
Molecular consequence: missense variant.
Genome position (GRCh38, 1-based): chr2:71,570,683, G>A. VCF-style: chr2-71570683-G-A. GRCh37 (hg19) VCF-style: chr2-71797813-G-A.
Other names: NM_001130987.2(DYSF):c.3170G>A; p.Arg1057Gln; c.3116G>A (NM_003494.3); c.3119G>A, p.Arg1040Gln (NM_001130455.2, NM_001130983.2); c.3074G>A, p.Arg1025Gln (NM_001130976.2, NM_001130977.2); c.3116G>A, p.Arg1039Gln (NM_001130978.2, NM_003494.4); c.3209G>A, p.Arg1070Gln (NM_001130979.2); c.3167G>A, p.Arg1056Gln (NM_001130980.2, NM_001130981.2); and 3 more; short protein forms R1025Q, R1056Q, R1057Q, R1039Q, R1040Q, R1071Q, R1026Q, R1070Q.
Identifiers: ClinVar variation 1491619 (VCV001491619.17), dbSNP rs149617331, ClinGen allele CA1706451.
Genomic context (GRCh38, chr2:71,570,683, plus strand): 5'-CCCCGGAGCGGAAGCCGAAGCACTGGGTCCCTGCTGAGAAGATGTACTACACACACCGAC[G>A]GCGGCGCTGGGTGCGCCTGCGCAGGAGGGATCTCAGCCAAATGGAAGCACTGAAAAGGGT-3'
Protein context (NP_001124459.1, residues 1047-1067): PAEKMYYTHR[Arg1057Gln]RRWVRLRRRD